The following is an entry in ClinVar:

ClinVar aggregate classification (germline): Uncertain significance. Review status: criteria provided, multiple submitters, no conflicts (2 of 4 stars). 3 submissions from 3 submitters: Uncertain significance (3). Last evaluated 2024-12-16.

Conditions:
Donnai-Barrow syndrome. Also called: DBS/FOAR SYNDROME; FACIOOCULOACOUSTICORENAL SYNDROME. Identifiers: Orphanet 2143, MedGen C1857277, MONDO:0009104, OMIM 222448.
Inborn genetic diseases. Identifiers: MedGen C0950123, MeSH D030342.

Allele frequency attached by ClinVar (database versions not stated): gnomAD exomes below 0.00001 and 0.00001; ExAC 0.00001; gnomAD 0.00002 and 0.00004; TOPMed 0.00005.
gnomAD v4.1: 7 of 1,614,086 alleles (0.00043%); highest among the groups gnomAD compares: African/African-American, 0.0093%; no homozygotes.

Submissions (3):

Ambry Genetics
Classification: Uncertain significance for Inborn genetic diseases. Last evaluated: 2024-12-16. Review status: criteria provided, single submitter. Criteria: Ambry Variant Classification Scheme 2023. Collection method: clinical testing. Allele origin: germline.

Labcorp Genetics (formerly Invitae), Labcorp
Classification: Uncertain significance. Last evaluated: 2024-10-16. Review status: criteria provided, single submitter. Criteria: Invitae Variant Classification Sherloc (09022015). Collection method: clinical testing. Allele origin: germline.
Comment: This sequence change replaces histidine, which is basic and polar, with arginine, which is basic and polar, at codon 959 of the LRP2 protein (p.His959Arg). This variant is present in population databases (rs748432271, gnomAD 0.02%). This variant has not been reported in the literature in individuals affected with LRP2-related conditions. ClinVar contains an entry for this variant (Variation ID: 1477972). Invitae Evidence Modeling of protein sequence and biophysical properties (such as structural, functional, and spatial information, amino acid conservation, physicochemical variation, residue mobility, and thermodynamic stability) indicates that this missense variant is expected to disrupt LRP2 protein function with a positive predictive value of 80%. In summary, the available evidence is currently insufficient to determine the role of this variant in disease. Therefore, it has been classified as a Variant of Uncertain Significance.

Fulgent Genetics
Classification: Uncertain significance for Donnai-Barrow syndrome. Last evaluated: 2024-03-26. Review status: criteria provided, single submitter. Criteria: ACMG Guidelines, 2015. Collection method: clinical testing. Allele origin: germline.

NM_004525.3(LRP2):c.2876A>G (p.His959Arg)

Gene: LRP2 (LDL receptor related protein 2; minus strand). Cytogenetic location: 2q31.1.
Variant type: single nucleotide variant.
Coding change: c.2876A>G on transcript NM_004525.3 (MANE Select); coding-DNA position 2876, A replaced by G.
Protein change: p.His959Arg; replaces histidine 959 with arginine.
Molecular consequence: missense variant.
Genome position (GRCh38, 1-based): chr2:169,247,410, T>C on the plus strand (A>G on the coding strand, the complement: LRP2 is on the minus strand). VCF-style: chr2-169247410-T-C. GRCh37 (hg19) VCF-style: chr2-170103920-T-C.
Other names: c.2876A>G (NM_004525.2); short protein forms H959R.
Identifiers: ClinVar variation 1477972 (VCV001477972.9), dbSNP rs748432271, ClinGen allele CA1955193.